The following is an entry in ClinVar:

NM_001290060.2(SEMA3B):c.1450-7C>G

Gene: SEMA3B (semaphorin 3B; plus strand). Cytogenetic location: 3p21.31.
Variant type: single nucleotide variant.
Coding change: c.1450-7C>G on transcript NM_001290060.2 (MANE Select); 7 bases into the intron before coding-DNA position 1450, C replaced by G.
Molecular consequence: intron variant.
Genome position (GRCh38, 1-based): chr3:50,275,005, C>G. VCF-style: chr3-50275005-C-G. GRCh37 (hg19) VCF-style: chr3-50312436-C-G.
Other names: c.1450-7C>G (NM_004636.4); c.1447-7C>G (NM_001005914.3); c.1465-7C>G (NM_001290061.1); c.421-7C>G (NM_001290062.2, NM_001290063.2).
Identifiers: ClinVar variation 3031964 (VCV003031964.2), dbSNP rs782510037, ClinGen allele CA2414060.

ClinVar aggregate classification (germline): Likely benign (0 of 4 stars; one submission).

Conditions:
SEMA3B-related disorder. Also called: SEMA3B-related condition.

Allele frequency attached by ClinVar (database versions not stated): gnomAD exomes 0.00001; ExAC 0.00003; TOPMed 0.00001.
gnomAD v4.1: 21 of 1,595,324 alleles (0.0013%); highest among the groups gnomAD compares: Middle Eastern, 0.035%; no homozygotes.

Submission:

PreventionGenetics, part of Exact Sciences
Classification: Likely benign for SEMA3B-related condition. Last evaluated: 2023-01-19. Review status: no assertion criteria provided. Collection method: clinical testing. Allele origin: germline.
Comment: This variant is classified as likely benign based on ACMG/AMP sequence variant interpretation guidelines (Richards et al. 2015 PMID: 25741868, with internal and published modifications).